The following is an entry in ClinVar:

NM_138694.4(PKHD1):c.8470C>T (p.Gln2824Ter)

Gene: PKHD1 (PKHD1 ciliary IPT domain containing fibrocystin/polyductin; minus strand). Cytogenetic location: 6p12.3.
Variant type: single nucleotide variant.
Coding change: c.8470C>T on transcript NM_138694.4 (MANE Select); coding-DNA position 8470, C replaced by T.
Protein change: p.Gln2824Ter; replaces glutamine 2824 with a stop codon.
Molecular consequence: nonsense.
Genome position (GRCh38, 1-based): chr6:51,775,892, G>A on the plus strand (C>T on the coding strand, the complement: PKHD1 is on the minus strand). VCF-style: chr6-51775892-G-A. GRCh37 (hg19) VCF-style: chr6-51640690-G-A.
Other names: c.8470C>T, p.Gln2824Ter (NM_170724.3); short protein forms Q2824*.
Identifiers: ClinVar variation 4747511 (VCV004747511.1).

ClinVar aggregate classification (germline): Pathogenic (1 of 4 stars; one submission).

Conditions:
Autosomal recessive polycystic kidney disease (ARPKD). Also called: AR polycystic kidney disease. Identifiers: Orphanet 731, Orphanet 8378, MedGen C0085548, MeSH D017044, MONDO:0009889.

gnomAD v4.1: 5 of 1,589,336 alleles (0.00031%); highest among the groups gnomAD compares: Non-Finnish European, 0.00035%; no homozygotes.

Submission:

Labcorp Genetics (formerly Invitae), Labcorp
Classification: Pathogenic for Autosomal recessive polycystic kidney disease. Last evaluated: 2026-01-02. Review status: criteria provided, single submitter. Criteria: Invitae Variant Classification Sherloc (09022015). Collection method: clinical testing. Allele origin: germline.
Comment: This sequence change creates a premature translational stop signal (p.Gln2824*) in the PKHD1 gene. It is expected to result in an absent or disrupted protein product. Loss-of-function variants in PKHD1 are known to be pathogenic (PMID: 19940839). This variant is not present in population databases (gnomAD no frequency). This premature translational stop signal has been observed in individual(s) with PKHD1-related conditions (PMID: 27225849). For these reasons, this variant has been classified as Pathogenic.

Literature cited by the submitters: PubMed 19940839; PubMed 27225849.